The following is an entry in ClinVar:

NM_003239.5(TGFB3):c.517-1G>T

Gene: TGFB3 (transforming growth factor beta 3; minus strand). Cytogenetic location: 14q24.3.
Variant type: single nucleotide variant.
Coding change: c.517-1G>T on transcript NM_003239.5 (MANE Select); the canonical splice acceptor site of the intron before coding-DNA position 517, G replaced by T.
Molecular consequence: splice acceptor variant.
Genome position (GRCh38, 1-based): chr14:75,971,256, C>A on the plus strand (G>T on the coding strand, the complement: TGFB3 is on the minus strand). VCF-style: chr14-75971256-C-A. GRCh37 (hg19) VCF-style: chr14-76437599-C-A.
Other names: c.517-1G>T (NM_001329939.2, NM_001329938.2).
Identifiers: ClinVar variation 3325698 (VCV003325698.1).

ClinVar aggregate classification (germline): Likely pathogenic (1 of 4 stars; one submission).

Conditions:
Familial thoracic aortic aneurysm and aortic dissection (TAAD). Also called: Thoracic aortic aneurysms and dissections. Identifiers: Orphanet 91387, MedGen C4707243, MONDO:0019625.

Submission:

Ambry Genetics
Classification: Likely pathogenic for Familial thoracic aortic aneurysm and aortic dissection. Last evaluated: 2024-04-18. Review status: criteria provided, single submitter. Criteria: Ambry Variant Classification Scheme 2023. Collection method: clinical testing. Allele origin: germline.
Comment: The c.517-1G>T intronic variant results from a G to T substitution one nucleotide upstream from coding exon 3 of the TGFB3 gene. This variant is considered to be rare based on population cohorts in the Genome Aggregation Database (gnomAD). This nucleotide position is highly conserved in available vertebrate species. In silico splice site analysis predicts that this alteration will weaken the native splice acceptor site and will result in the creation or strengthening of a novel splice acceptor site. Alterations that disrupt the canonical splice site are expected to cause aberrant splicing, resulting in an abnormal protein or a transcript that is subject to nonsense-mediated mRNA decay. As such, this alteration is classified as likely pathogenic.